The following is an entry in ClinVar:

ClinVar aggregate classification (germline): Uncertain significance (1 of 4 stars; one submission).

Submission:

Labcorp Genetics (formerly Invitae), Labcorp
Classification: Uncertain significance. Last evaluated: 2023-12-11. Review status: criteria provided, single submitter. Criteria: Invitae Variant Classification Sherloc (09022015). Collection method: clinical testing. Allele origin: germline.
Comment: This sequence change falls in intron 26 of the C3 gene. It does not directly change the encoded amino acid sequence of the C3 protein. It affects a nucleotide within the consensus splice site. This variant is not present in population databases (gnomAD no frequency). This variant has not been reported in the literature in individuals affected with C3-related conditions. Variants that disrupt the consensus splice site are a relatively common cause of aberrant splicing (PMID: 17576681, 9536098). Algorithms developed to predict the effect of sequence changes on RNA splicing suggest that this variant may disrupt the consensus splice site. In summary, the available evidence is currently insufficient to determine the role of this variant in disease. Therefore, it has been classified as a Variant of Uncertain Significance.

Literature cited by the submitters: PubMed 17576681; PubMed 9536098.

NM_000064.4(C3):c.3390+2dup

Gene: C3 (complement C3; minus strand). Cytogenetic location: 19p13.3.
Variant type: Duplication.
Coding change: c.3390+2dup on transcript NM_000064.4 (MANE Select); the canonical splice donor site of the intron after coding-DNA position 3390, one base duplicated (T; older notation c.3390+2dupT).
Molecular consequence: splice donor variant.
Genome position (GRCh38, 1-based): chr19:6,692,922, A duplicated on the plus strand (T on the coding strand, the reverse complement: C3 is on the minus strand). VCF-style (leftmost placement, unchanged base first): chr19-6692921-T-TA. GRCh37 (hg19) VCF-style: chr19-6692932-T-TA.
Identifiers: ClinVar variation 2844081 (VCV002844081.3), dbSNP rs2512242060, ClinGen allele CA2739271690.